The following is an entry in ClinVar:

ClinVar aggregate classification (germline): Pathogenic (1 of 4 stars; one submission).

gnomAD v4.1: 44 of 1,611,214 alleles (0.0027%); highest among the groups gnomAD compares: Non-Finnish European, 0.0035%; no homozygotes.

Submission:

Labcorp Genetics (formerly Invitae), Labcorp
Classification: Pathogenic. Last evaluated: 2025-10-10. Review status: criteria provided, single submitter. Criteria: Invitae Variant Classification Sherloc (09022015). Collection method: clinical testing. Allele origin: germline.
Comment: This sequence change creates a premature translational stop signal (p.Arg524*) in the DNAH9 gene. It is expected to result in an absent or disrupted protein product. Loss-of-function variants in DNAH9 are known to be pathogenic (PMID: 30471718). This variant is present in population databases (rs774574732, gnomAD 0.006%). This variant has not been reported in the literature in individuals affected with DNAH9-related conditions. For these reasons, this variant has been classified as Pathogenic.

Literature cited by the submitters: PubMed 30471718.

NM_001372.4(DNAH9):c.1570C>T (p.Arg524Ter)

Gene: DNAH9 (dynein axonemal heavy chain 9; plus strand). Cytogenetic location: 17p12.
Variant type: single nucleotide variant.
Coding change: c.1570C>T on transcript NM_001372.4 (MANE Select); coding-DNA position 1570, C replaced by T.
Protein change: p.Arg524Ter; replaces arginine 524 with a stop codon.
Molecular consequence: nonsense.
Genome position (GRCh38, 1-based): chr17:11,632,638, C>T. VCF-style: chr17-11632638-C-T. GRCh37 (hg19) VCF-style: chr17-11535955-C-T.
Other names: short protein forms R524*.
Identifiers: ClinVar variation 4761164 (VCV004761164.1).